The following is an entry in ClinVar:

NM_001371623.1(TCOF1):c.1328C>T (p.Ala443Val)

Gene: TCOF1 (treacle ribosome biogenesis factor 1; plus strand). Cytogenetic location: 5q32.
Variant type: single nucleotide variant.
Coding change: c.1328C>T on transcript NM_001371623.1 (MANE Select); coding-DNA position 1328, C replaced by T.
Protein change: p.Ala443Val; replaces alanine 443 with valine.
Molecular consequence: missense variant.
Genome position (GRCh38, 1-based): chr5:150,375,003, C>T. VCF-style: chr5-150375003-C-T. GRCh37 (hg19) VCF-style: chr5-149754566-C-T.
Other names: c.1097C>T, p.Ala366Val (NM_000356.4, NM_001135245.2); c.1328C>T, p.Ala443Val (NM_001008657.3, NM_001135243.2, NM_001135244.2 and 1 more transcripts); short protein forms A366V, A443V.
Identifiers: ClinVar variation 3660426 (VCV003660426.2).

ClinVar aggregate classification (germline): Uncertain significance (1 of 4 stars; one submission).

Conditions:
Treacher Collins syndrome 1 (TCS1). Also called: TCOF1-Related Treacher Collins Syndrome. Identifiers: Orphanet 861, MedGen CN315775, MONDO:0007944, OMIM 154500.

Submission:

Labcorp Genetics (formerly Invitae), Labcorp
Classification: Uncertain significance for Treacher Collins syndrome 1. Last evaluated: 2024-07-24. Review status: criteria provided, single submitter. Criteria: Invitae Variant Classification Sherloc (09022015). Collection method: clinical testing. Allele origin: germline.
Comment: This sequence change replaces alanine, which is neutral and non-polar, with valine, which is neutral and non-polar, at codon 443 of the TCOF1 protein (p.Ala443Val). This variant is not present in population databases (gnomAD no frequency). This variant has not been reported in the literature in individuals affected with TCOF1-related conditions. Advanced modeling of protein sequence and biophysical properties (such as structural, functional, and spatial information, amino acid conservation, physicochemical variation, residue mobility, and thermodynamic stability) performed at Invitae indicates that this missense variant is not expected to disrupt TCOF1 protein function with a negative predictive value of 80%. In summary, the available evidence is currently insufficient to determine the role of this variant in disease. Therefore, it has been classified as a Variant of Uncertain Significance.